The following is an entry in ClinVar:

NM_002878.4(RAD51D):c.263+1522C>G

Genes: RAD51D (RAD51 paralog D; minus strand), RAD51L3-RFFL (RAD51L3-RFFL readthrough; minus strand). Cytogenetic location: 17q12.
Variant type: single nucleotide variant.
Coding change: c.263+1522C>G on transcript NM_002878.4 (MANE Select); 1522 bases into the intron after coding-DNA position 263, C replaced by G.
Molecular consequence: intron variant. On other transcripts: missense variant (1).
Genome position (GRCh38, 1-based): chr17:35,116,979, G>C on the plus strand (C>G on the coding strand, the complement: RAD51D is on the minus strand). VCF-style: chr17-35116979-G-C. GRCh37 (hg19) VCF-style: chr17-33443998-G-C.
Other names: c.203C>G, p.Ala68Gly (NM_001142571.2); c.144+2132C>G (NM_133629.3); short protein forms A68G.
Identifiers: ClinVar variation 5027835 (VCV005027835.1).

ClinVar aggregate classification (germline): Uncertain significance (1 of 4 stars; one submission).

Conditions:
Hereditary cancer-predisposing syndrome. Also called: Neoplastic Syndromes, Hereditary; Tumor predisposition; Hereditary neoplastic syndrome; Hereditary Cancer Syndrome. Identifiers: Orphanet 140162, MedGen C0027672, MeSH D009386, MONDO:0015356.

Submission:

Ambry Genetics
Classification: Uncertain significance for Hereditary cancer-predisposing syndrome. Last evaluated: 2026-07-07. Review status: criteria provided, single submitter. Criteria: Ambry Variant Classification Scheme 2023. Collection method: clinical testing. Allele origin: germline.
Comment: The p.A68G variant (also known as c.203C>G), located in coding exon 3 of the RAD51D gene, results from a C to G substitution at nucleotide position 203. The alanine at codon 68 is replaced by glycine, an amino acid with similar properties. This amino acid position is conserved. In addition, this alteration is predicted to be tolerated by in silico analysis. Based on the available evidence, the clinical significance of this variant remains unclear.